The following is an entry in ClinVar:

ClinVar aggregate classification (germline): Uncertain significance (1 of 4 stars; one submission).

Allele frequency attached by ClinVar (database versions not stated): gnomAD 0.00001; ExAC 0.00002.
gnomAD v4.1: 9 of 1,614,028 alleles (0.00056%); highest among the groups gnomAD compares: Non-Finnish European, 0.00042%; no homozygotes.

Submission:

Labcorp Genetics (formerly Invitae), Labcorp
Classification: Uncertain significance. Last evaluated: 2022-07-05. Review status: criteria provided, single submitter. Criteria: Invitae Variant Classification Sherloc (09022015). Collection method: clinical testing. Allele origin: germline.
Comment: This sequence change replaces asparagine, which is neutral and polar, with lysine, which is basic and polar, at codon 29 of the RGS9 protein (p.Asn29Lys). This variant is present in population databases (rs757561217, gnomAD 0.01%). This variant has not been reported in the literature in individuals affected with RGS9-related conditions. Algorithms developed to predict the effect of missense changes on protein structure and function are either unavailable or do not agree on the potential impact of this missense change (SIFT: "Deleterious"; PolyPhen-2: "Benign"; Align-GVGD: "Class C0"). In summary, the available evidence is currently insufficient to determine the role of this variant in disease. Therefore, it has been classified as a Variant of Uncertain Significance.

NM_003835.4(RGS9):c.87C>G (p.Asn29Lys)

Gene: RGS9 (regulator of G protein signaling 9; plus strand). Cytogenetic location: 17q24.1.
Variant type: single nucleotide variant.
Coding change: c.87C>G on transcript NM_003835.4 (MANE Select); coding-DNA position 87, C replaced by G.
Protein change: p.Asn29Lys; replaces asparagine 29 with lysine.
Molecular consequence: missense variant.
Genome position (GRCh38, 1-based): chr17:65,153,451, C>G. VCF-style: chr17-65153451-C-G. GRCh37 (hg19) VCF-style: chr17-63149569-C-G.
Other names: c.87C>G, p.Asn29Lys (NM_001081955.3, NM_001165933.2); short protein forms N29K.
Identifiers: ClinVar variation 1939591 (VCV001939591.5), dbSNP rs757561217, ClinGen allele CA8717483.